The following is an entry in ClinVar:

NM_024529.5(CDC73):c.1315T>A (p.Trp439Arg)

Gene: CDC73 (cell division cycle 73; plus strand). Cytogenetic location: 1q31.2.
Variant type: single nucleotide variant.
Coding change: c.1315T>A on transcript NM_024529.5 (MANE Select); coding-DNA position 1315, T replaced by A.
Protein change: p.Trp439Arg; replaces tryptophan 439 with arginine.
Molecular consequence: missense variant.
Genome position (GRCh38, 1-based): chr1:193,233,153, T>A. VCF-style: chr1-193233153-T-A. GRCh37 (hg19) VCF-style: chr1-193202283-T-A.
Other names: short protein forms W439R.
Identifiers: ClinVar variation 5033843 (VCV005033843.1).

ClinVar aggregate classification (germline): Uncertain significance (1 of 4 stars; one submission).

Conditions:
Hereditary cancer-predisposing syndrome. Also called: Neoplastic Syndromes, Hereditary; Tumor predisposition; Hereditary neoplastic syndrome; Hereditary Cancer Syndrome. Identifiers: Orphanet 140162, MedGen C0027672, MeSH D009386, MONDO:0015356.

Submission:

Ambry Genetics
Classification: Uncertain significance for Hereditary cancer-predisposing syndrome. Last evaluated: 2026-07-26. Review status: criteria provided, single submitter. Criteria: Ambry Variant Classification Scheme 2023. Collection method: clinical testing. Allele origin: germline.
Comment: The p.W439R variant (also known as c.1315T>A), located in coding exon 14 of the CDC73 gene, results from a T to A substitution at nucleotide position 1315. The tryptophan at codon 439 is replaced by arginine, an amino acid with dissimilar properties. This amino acid position is conserved. In addition, this alteration is predicted to be deleterious by in silico analysis. Based on the available evidence, the clinical significance of this variant remains unclear.